The following is an entry in ClinVar:

NM_001737.5(C9):c.1399G>T (p.Val467Phe)

Gene: C9 (complement C9; minus strand). Cytogenetic location: 5p13.1.
Variant type: single nucleotide variant.
Coding change: c.1399G>T on transcript NM_001737.5 (MANE Select); coding-DNA position 1399, G replaced by T.
Protein change: p.Val467Phe; replaces valine 467 with phenylalanine.
Molecular consequence: missense variant.
Genome position (GRCh38, 1-based): chr5:39,306,634, C>A on the plus strand (G>T on the coding strand, the complement: C9 is on the minus strand). VCF-style: chr5-39306634-C-A. GRCh37 (hg19) VCF-style: chr5-39306736-C-A.
Other names: short protein forms V467F.
Identifiers: ClinVar variation 2084648 (VCV002084648.1), dbSNP rs752668931, ClinGen allele CA3246713.
Genomic context (GRCh38, chr5:39,306,634, plus strand): 5'-AAAATGACACAGTCTTCTGTTTGAAAATAAACACGTTTCTTACTTTTTGACTAATGAGAA[C>A]AGGAGCATCATTTATGGAAGAGGCCCAGTTGACAAAGTCAGTCACATCAATCACGGTTCC-3'
Protein context (NP_001728.1, residues 457-477): NWASSINDAP[Val467Phe]LISQKLSPIY

ClinVar aggregate classification (germline): Uncertain significance (1 of 4 stars; one submission).

Allele frequency attached by ClinVar (database versions not stated): TOPMed 0.00002; gnomAD 0.00003; ExAC 0.00007.
gnomAD v4.1: 41 of 1,613,060 alleles (0.0025%); highest among the groups gnomAD compares: Non-Finnish European, 0.002%; no homozygotes.

Submission:

Labcorp Genetics (formerly Invitae), Labcorp
Classification: Uncertain significance. Last evaluated: 2022-07-14. Review status: criteria provided, single submitter. Criteria: Invitae Variant Classification Sherloc (09022015). Collection method: clinical testing. Allele origin: germline.
Comment: This sequence change replaces valine, which is neutral and non-polar, with phenylalanine, which is neutral and non-polar, at codon 467 of the C9 protein (p.Val467Phe). This variant is present in population databases (rs752668931, gnomAD 0.02%). This variant has not been reported in the literature in individuals affected with C9-related conditions. Algorithms developed to predict the effect of missense changes on protein structure and function are either unavailable or do not agree on the potential impact of this missense change (SIFT: "Not Available"; PolyPhen-2: "Probably Damaging"; Align-GVGD: "Not Available"). In summary, the available evidence is currently insufficient to determine the role of this variant in disease. Therefore, it has been classified as a Variant of Uncertain Significance.